The following is an entry in ClinVar:

NM_005751.5(AKAP9):c.7314A>T (p.Glu2438Asp)

Gene: AKAP9 (A-kinase anchoring protein 9; plus strand). Cytogenetic location: 7q21.2.
Variant type: single nucleotide variant.
Coding change: c.7314A>T on transcript NM_005751.5 (MANE Select); coding-DNA position 7314, A replaced by T.
Protein change: p.Glu2438Asp; replaces glutamic acid 2438 with aspartic acid.
Molecular consequence: missense variant.
Genome position (GRCh38, 1-based): chr7:92,079,447, A>T. VCF-style: chr7-92079447-A-T. GRCh37 (hg19) VCF-style: chr7-91708761-A-T.
Other names: c.1959A>T, p.Glu653Asp (NM_001379277.1); c.7290A>T, p.Glu2430Asp (NM_147185.3); short protein forms E2438D, E2430D, E653D.
Identifiers: ClinVar variation 180264 (VCV000180264.17), dbSNP rs138468216, ClinGen allele CA346160.

ClinVar aggregate classification (germline): Conflicting classifications of pathogenicity. Review status: criteria provided, conflicting classifications (1 of 4 stars). 4 submissions from 4 submitters: Uncertain significance (1); Benign (1); Likely benign (2). Last evaluated 2024-09-16.

Conditions:
Cardiovascular phenotype. Identifiers: MedGen CN230736.
Long QT syndrome (LQTS). Identifiers: MedGen C0023976, MeSH D008133, MONDO:0002442. Disease mechanism: loss of function. Inheritance: Various modes of inheritance.

Allele frequency attached by ClinVar (database versions not stated): gnomAD 0.00006 and 0.00007; TOPMed 0.00007; ExAC 0.00008; ESP Exome Variant Server 0.00008; gnomAD exomes 0.00008; 1000 Genomes Project 30x 0.00016; 1000 Genomes Project 0.00020.
gnomAD v4.1: 111 of 1,614,086 alleles (0.0069%); highest among the groups gnomAD compares: Middle Eastern, 0.066%; 1 homozygote.

Submissions (4):

Blueprint Genetics
Classification: Likely benign. Last evaluated: 2024-09-16. Review status: criteria provided, single submitter. Criteria: ACMG Guidelines, 2015. Collection method: clinical testing. Allele origin: germline.

Ambry Genetics
Classification: Benign for Cardiovascular phenotype. Last evaluated: 2024-04-02. Review status: criteria provided, single submitter. Criteria: Ambry Variant Classification Scheme 2023. Collection method: clinical testing. Allele origin: germline.

Labcorp Genetics (formerly Invitae), Labcorp
Classification: Uncertain significance for Long QT syndrome. Last evaluated: 2023-12-13. Review status: criteria provided, single submitter. Criteria: Invitae Variant Classification Sherloc (09022015). Collection method: clinical testing. Allele origin: germline.
Comment: This sequence change replaces glutamic acid, which is acidic and polar, with aspartic acid, which is acidic and polar, at codon 2438 of the AKAP9 protein (p.Glu2438Asp). This variant is present in population databases (rs138468216, gnomAD 0.01%). This variant has not been reported in the literature in individuals affected with AKAP9-related conditions. ClinVar contains an entry for this variant (Variation ID: 180264). An algorithm developed to predict the effect of missense changes on protein structure and function (PolyPhen-2) suggests that this variant is likely to be tolerated. In summary, the available evidence is currently insufficient to determine the role of this variant in disease. Therefore, it has been classified as a Variant of Uncertain Significance.

GeneDx
Classification: Likely benign. Last evaluated: 2015-03-03. Review status: criteria provided, single submitter. Criteria: GeneDx Variant Classification Process June 2021. Collection method: clinical testing. Allele origin: germline. Affected: yes.